The following is an entry in ClinVar:

NM_014629.4(ARHGEF10):c.1456G>C (p.Val486Leu)

Gene: ARHGEF10 (Rho guanine nucleotide exchange factor 10; plus strand). Cytogenetic location: 8p23.3.
Variant type: single nucleotide variant.
Coding change: c.1456G>C on transcript NM_014629.4 (MANE Select); coding-DNA position 1456, G replaced by C.
Protein change: p.Val486Leu; replaces valine 486 with leucine.
Molecular consequence: missense variant.
Genome position (GRCh38, 1-based): chr8:1,896,348, G>C. VCF-style: chr8-1896348-G-C. GRCh37 (hg19) VCF-style: chr8-1844514-G-C.
Other names: c.1342G>C, p.Val448Leu (NM_001308152.2); c.1459G>C, p.Val487Leu (NM_001308153.3); short protein forms V448L, V486L, V511L, V487L.
Identifiers: ClinVar variation 3621364 (VCV003621364.2).

ClinVar aggregate classification (germline): Uncertain significance (1 of 4 stars; one submission).

gnomAD v4.1: 4 of 1,613,568 alleles (0.00025%); highest among the groups gnomAD compares: Non-Finnish European, 0.00025%; no homozygotes.

Submission:

Labcorp Genetics (formerly Invitae), Labcorp
Classification: Uncertain significance. Last evaluated: 2024-12-04. Review status: criteria provided, single submitter. Criteria: Invitae Variant Classification Sherloc (09022015). Collection method: clinical testing. Allele origin: germline.
Comment: This sequence change replaces valine, which is neutral and non-polar, with leucine, which is neutral and non-polar, at codon 486 of the ARHGEF10 protein (p.Val486Leu). This variant is not present in population databases (gnomAD no frequency). This variant has not been reported in the literature in individuals affected with ARHGEF10-related conditions. Invitae Evidence Modeling of protein sequence and biophysical properties (such as structural, functional, and spatial information, amino acid conservation, physicochemical variation, residue mobility, and thermodynamic stability) indicates that this missense variant is not expected to disrupt ARHGEF10 protein function with a negative predictive value of 80%. In summary, the available evidence is currently insufficient to determine the role of this variant in disease. Therefore, it has been classified as a Variant of Uncertain Significance.